The following is an entry in ClinVar:

NM_006031.6(PCNT):c.5995-2A>C

Gene: PCNT (pericentrin; plus strand). Cytogenetic location: 21q22.3.
Variant type: single nucleotide variant.
Coding change: c.5995-2A>C on transcript NM_006031.6 (MANE Select); the canonical splice acceptor site of the intron before coding-DNA position 5995, A replaced by C.
Molecular consequence: splice acceptor variant.
Genome position (GRCh38, 1-based): chr21:46,412,835, A>C. VCF-style: chr21-46412835-A-C. GRCh37 (hg19) VCF-style: chr21-47832749-A-C.
Other names: c.5641-2A>C (NM_001315529.2).
Identifiers: ClinVar variation 2663933 (VCV002663933.4), dbSNP rs1174601545, ClinGen allele CA410558340.

ClinVar aggregate classification (germline): Likely pathogenic. Review status: criteria provided, multiple submitters, no conflicts (2 of 4 stars). 2 submissions from 2 submitters: Likely pathogenic (2). Last evaluated 2024-02-14.

Conditions:
Microcephalic osteodysplastic primordial dwarfism type II (MOPD2). Also called: Microcephalic osteodysplastic primordial dwarfism with tooth abnormalities; MOPD II; OSTEODYSPLASTIC PRIMORDIAL DWARFISM, TYPE II. Identifiers: Orphanet 2637, MedGen C0432246, MONDO:0008872, OMIM 210720.

Allele frequency attached by ClinVar (database versions not stated): TOPMed below 0.00001; gnomAD exomes 0.00001 and 0.00002.
gnomAD v4.1: 17 of 1,611,094 alleles (0.0011%); highest among the groups gnomAD compares: South Asian, 0.016%; no homozygotes.

Submissions (2):

Labcorp Genetics (formerly Invitae), Labcorp
Classification: Likely pathogenic. Last evaluated: 2024-02-14. Review status: criteria provided, single submitter. Criteria: Invitae Variant Classification Sherloc (09022015). Collection method: clinical testing. Allele origin: germline.
Comment: This sequence change affects an acceptor splice site in intron 28 of the PCNT gene. It is expected to disrupt RNA splicing. Variants that disrupt the donor or acceptor splice site typically lead to a loss of protein function (PMID: 16199547), and loss-of-function variants in PCNT are known to be pathogenic (PMID: 18174396, 22821869). This variant is present in population databases (no rsID available, gnomAD 0.01%). This variant has not been reported in the literature in individuals affected with PCNT-related conditions. ClinVar contains an entry for this variant (Variation ID: 2663933). Algorithms developed to predict the effect of sequence changes on RNA splicing suggest that this variant may disrupt the consensus splice site. In summary, the currently available evidence indicates that the variant is pathogenic, but additional data are needed to prove that conclusively. Therefore, this variant has been classified as Likely Pathogenic.

Neuberg Centre For Genomic Medicine, NCGM
Classification: Likely pathogenic for Microcephalic osteodysplastic primordial dwarfism type II. Review status: criteria provided, single submitter. Criteria: ACMG Guidelines, 2015. Collection method: clinical testing. Allele origin: germline. Inheritance: Autosomal recessive inheritance. Affected: yes.

Literature cited by the submitters: PubMed 16199547 (cited by Labcorp Genetics (formerly Invitae), Labcorp); PubMed 18174396 (cited by Labcorp Genetics (formerly Invitae), Labcorp); PubMed 22821869 (cited by Labcorp Genetics (formerly Invitae), Labcorp).